The following is an entry in ClinVar:

ClinVar aggregate classification (germline): Uncertain significance. Review status: criteria provided, multiple submitters, no conflicts (2 of 4 stars). 2 submissions from 2 submitters: Uncertain significance (2). Last evaluated 2025-04-20.

Conditions:
Inborn genetic diseases. Identifiers: MedGen C0950123, MeSH D030342.

Allele frequency attached by ClinVar (database versions not stated): gnomAD exomes below 0.00001; ExAC 0.00001; gnomAD 0.00001; 1000 Genomes Project 0.00020; TOPMed 0.00001; 1000 Genomes Project 30x 0.00031.
gnomAD v4.1: 5 of 1,613,796 alleles (0.00031%); highest among the groups gnomAD compares: African/African-American, 0.0053%; no homozygotes.

Submissions (2):

Ambry Genetics
Classification: Uncertain significance for Inborn genetic diseases. Last evaluated: 2025-04-20. Review status: criteria provided, single submitter. Criteria: Ambry Variant Classification Scheme 2023. Collection method: clinical testing. Allele origin: germline.

Labcorp Genetics (formerly Invitae), Labcorp
Classification: Uncertain significance. Last evaluated: 2021-10-07. Review status: criteria provided, single submitter. Criteria: Invitae Variant Classification Sherloc (09022015). Collection method: clinical testing. Allele origin: germline.
Comment: This sequence change replaces proline with serine at codon 950 of the USH2A protein (p.Pro950Ser). The proline residue is highly conserved and there is a moderate physicochemical difference between proline and serine. This variant is present in population databases (rs552925338, ExAC 0.01%). This variant has not been reported in the literature in individuals affected with USH2A-related conditions. Algorithms developed to predict the effect of missense changes on protein structure and function are either unavailable or do not agree on the potential impact of this missense change (SIFT: "Deleterious"; PolyPhen-2: "Benign"; Align-GVGD: "Class C65"). In summary, the available evidence is currently insufficient to determine the role of this variant in disease. Therefore, it has been classified as a Variant of Uncertain Significance.

NM_206933.4(USH2A):c.2848C>T (p.Pro950Ser)

Genes: USH2A (usherin; minus strand), USH2A-AS1 (USH2A antisense RNA 1; plus strand). Cytogenetic location: 1q41.
Variant type: single nucleotide variant.
Coding change: c.2848C>T on transcript NM_206933.4 (MANE Select); coding-DNA position 2848, C replaced by T.
Protein change: p.Pro950Ser; replaces proline 950 with serine.
Molecular consequence: missense variant.
Genome position (GRCh38, 1-based): chr1:216,232,098, G>A on the plus strand (C>T on the coding strand, the complement: USH2A is on the minus strand). VCF-style: chr1-216232098-G-A. GRCh37 (hg19) VCF-style: chr1-216405440-G-A.
Other names: c.2848C>T, p.Pro950Ser (NM_007123.6); c.2848C>T (NM_206933.2); short protein forms P950S.
Identifiers: ClinVar variation 1429652 (VCV001429652.4), dbSNP rs552925338, ClinGen allele CA1396142.